The following is an entry in ClinVar:

ClinVar aggregate classification (germline): Uncertain significance (1 of 4 stars; one submission).

Allele frequency attached by ClinVar (database versions not stated): gnomAD exomes 0.00001.
gnomAD v4.1: 49 of 1,612,714 alleles (0.003%); highest among the groups gnomAD compares: Non-Finnish European, 0.004%; no homozygotes.

Submission:

Labcorp Genetics (formerly Invitae), Labcorp
Classification: Uncertain significance. Last evaluated: 2022-11-29. Review status: criteria provided, single submitter. Criteria: Invitae Variant Classification Sherloc (09022015). Collection method: clinical testing. Allele origin: germline.
Comment: In summary, the available evidence is currently insufficient to determine the role of this variant in disease. Therefore, it has been classified as a Variant of Uncertain Significance. Advanced modeling of protein sequence and biophysical properties (such as structural, functional, and spatial information, amino acid conservation, physicochemical variation, residue mobility, and thermodynamic stability) performed at Invitae indicates that this missense variant is expected to disrupt GNB3 protein function. ClinVar contains an entry for this variant (Variation ID: 1481151). This variant has not been reported in the literature in individuals affected with GNB3-related conditions. This variant is present in population databases (no rsID available, gnomAD 0.002%). This sequence change replaces glycine, which is neutral and non-polar, with valine, which is neutral and non-polar, at codon 244 of the GNB3 protein (p.Gly244Val).

NM_002075.4(GNB3):c.731G>T (p.Gly244Val)

Genes: CDCA3 (cell division cycle associated 3; minus strand), GNB3 (G protein subunit beta 3; plus strand). Cytogenetic location: 12p13.31.
Variant type: single nucleotide variant.
Coding change: c.731G>T on transcript NM_002075.4 (MANE Select); coding-DNA position 731, G replaced by T.
Protein change: p.Gly244Val; replaces glycine 244 with valine.
Molecular consequence: missense variant. On other transcripts: 3 prime UTR variant (1).
Genome position (GRCh38, 1-based): chr12:6,845,617, G>T. VCF-style: chr12-6845617-G-T. GRCh37 (hg19) VCF-style: chr12-6954781-G-T.
Other names: c.728G>T, p.Gly243Val (NM_001297571.2); c.*1171C>A (NM_001297603.3); short protein forms G244V, G243V.
Identifiers: ClinVar variation 1481151 (VCV001481151.6), dbSNP rs905833609, ClinGen allele CA232401205.